The following is an entry in ClinVar:

ClinVar aggregate classification (germline): Uncertain significance. Review status: criteria provided, multiple submitters, no conflicts (2 of 4 stars). 4 submissions from 4 submitters: Uncertain significance (4). Last evaluated 2024-01-09.

Conditions:
Hereditary cancer-predisposing syndrome. Also called: Neoplastic Syndromes, Hereditary; Tumor predisposition; Hereditary Cancer Syndrome; Hereditary neoplastic syndrome. Identifiers: Orphanet 140162, MedGen C0027672, MeSH D009386, MONDO:0015356.
Nijmegen breakage syndrome-like disorder (NBSLD). Also called: MICROCEPHALY AND SPONTANEOUS CHROMOSOME INSTABILITY WITHOUT IMMUNODEFICIENCY; NBS-LIKE DISORDER; RAD50 DEFICIENCY. Identifiers: Orphanet 240760, MedGen C2751318, MONDO:0013118, OMIM 613078.

Allele frequency attached by ClinVar (database versions not stated): ExAC 0.00001; gnomAD exomes 0.00001 and 0.00002; ESP Exome Variant Server 0.00008.
gnomAD v4.1: 8 of 1,613,740 alleles (0.0005%); highest among the groups gnomAD compares: Non-Finnish European, 0.00025%; no homozygotes.

Submissions (4):

Labcorp Genetics (formerly Invitae), Labcorp
Classification: Uncertain significance for Hereditary cancer-predisposing syndrome. Last evaluated: 2024-01-09. Review status: criteria provided, single submitter. Criteria: Invitae Variant Classification Sherloc (09022015). Collection method: clinical testing. Allele origin: germline.
Comment: This sequence change replaces arginine, which is basic and polar, with histidine, which is basic and polar, at codon 535 of the RAD50 protein (p.Arg535His). This variant is present in population databases (rs200548021, gnomAD 0.009%). This missense change has been observed in individual(s) with personal and/or family history of cancer (PMID: 31159747). ClinVar contains an entry for this variant (Variation ID: 141317). Advanced modeling of protein sequence and biophysical properties (such as structural, functional, and spatial information, amino acid conservation, physicochemical variation, residue mobility, and thermodynamic stability) has been performed at Invitae for this missense variant, however the output from this modeling did not meet the statistical confidence thresholds required to predict the impact of this variant on RAD50 protein function. In summary, the available evidence is currently insufficient to determine the role of this variant in disease. Therefore, it has been classified as a Variant of Uncertain Significance.

Ambry Genetics
Classification: Uncertain significance for Hereditary cancer-predisposing syndrome. Last evaluated: 2020-06-17. Review status: criteria provided, single submitter. Criteria: Ambry Variant Classification Scheme 2023. Collection method: clinical testing. Allele origin: germline.
Comment: The p.R535H variant (also known as c.1604G>A), located in coding exon 10 of the RAD50 gene, results from a G to A substitution at nucleotide position 1604. The arginine at codon 535 is replaced by histidine, an amino acid with highly similar properties. This alteration has been reported in 1/1197 individuals from Greece, Romania, and Turkey undergoing evaluation for inherited cancer predisposition (Tsaousis GN et al. BMC Cancer, 2019 Jun;19:535). This amino acid position is well conserved in available vertebrate species. In addition, the in silico prediction for this alteration is inconclusive. Since supporting evidence is limited at this time, the clinical significance of this alteration remains unclear.

Fulgent Genetics
Classification: Uncertain significance for Nijmegen breakage syndrome-like disorder. Last evaluated: 2018-10-31. Review status: criteria provided, single submitter. Criteria: ACMG Guidelines, 2015. Collection method: clinical testing. Allele origin: unknown.

GeneKor MSA
Classification: Uncertain significance for Hereditary cancer-predisposing syndrome. Last evaluated: 2018-08-01. Review status: criteria provided, single submitter. Criteria: ACMG Guidelines, 2015. Collection method: clinical testing. Allele origin: germline. Affected: yes.

Literature cited by the submitters: PubMed 31159747 (cited by Labcorp Genetics (formerly Invitae), Labcorp and Ambry Genetics).

NM_005732.4(RAD50):c.1604G>A (p.Arg535His)

Gene: RAD50 (RAD50 double strand break repair protein; plus strand). Cytogenetic location: 5q31.1.
Variant type: single nucleotide variant.
Coding change: c.1604G>A on transcript NM_005732.4 (MANE Select); coding-DNA position 1604, G replaced by A.
Protein change: p.Arg535His; replaces arginine 535 with histidine.
Molecular consequence: missense variant.
Genome position (GRCh38, 1-based): chr5:132,591,375, G>A. VCF-style: chr5-132591375-G-A. GRCh37 (hg19) VCF-style: chr5-131927067-G-A.
Other names: short protein forms R535H.
Identifiers: ClinVar variation 141317 (VCV000141317.14), dbSNP rs200548021, ClinGen allele CA165096.